The following is an entry in ClinVar:

ClinVar aggregate classification (germline): Benign/Likely benign. Review status: criteria provided, multiple submitters, no conflicts (2 of 4 stars). 4 submissions from 4 submitters: Benign (1); Likely benign (2). 1 of the submissions does not count toward it. Last evaluated 2025-12-08.

Conditions:
ANK3-related disorder. Also called: ANK3-related condition.

Allele frequency attached by ClinVar (database versions not stated): gnomAD exomes 0.00021; ExAC 0.00029; 1000 Genomes Project 0.00080; ESP Exome Variant Server 0.00100; 1000 Genomes Project 30x 0.00109; gnomAD 0.00109 and 0.00120; TOPMed 0.00117.
gnomAD v4.1: 333 of 1,613,012 alleles (0.021%); highest among the groups gnomAD compares: African/African-American, 0.39%; 2 homozygotes.

Submissions (4):

Labcorp Genetics (formerly Invitae), Labcorp
Classification: Benign. Last evaluated: 2025-12-08. Review status: criteria provided, single submitter. Criteria: Invitae Variant Classification Sherloc (09022015). Collection method: clinical testing. Allele origin: germline.

Blueprint Genetics
Classification: Likely benign. Last evaluated: 2024-07-15. Review status: criteria provided, single submitter. Criteria: ACMG Guidelines, 2015. Collection method: clinical testing. Allele origin: germline.

Genetic Services Laboratory, University of Chicago
Classification: Likely benign. Last evaluated: 2017-08-16. Review status: criteria provided, single submitter. Criteria: ACMG Guidelines, 2015. Collection method: clinical testing. Allele origin: germline. Affected: no.

PreventionGenetics, part of Exact Sciences
Classification: Likely benign for ANK3-related condition. Last evaluated: 2024-01-03. Review status: no assertion criteria provided. Collection method: clinical testing. Allele origin: germline. Not counted in ClinVar's aggregate classification.
Comment: This variant is classified as likely benign based on ACMG/AMP sequence variant interpretation guidelines (Richards et al. 2015 PMID: 25741868, with internal and published modifications).

NM_020987.5(ANK3):c.2200C>T (p.Leu734=)

Gene: ANK3 (ankyrin 3; minus strand). Cytogenetic location: 10q21.2.
Variant type: single nucleotide variant.
Coding change: c.2200C>T on transcript NM_020987.5 (MANE Select); coding-DNA position 2200, C replaced by T.
Protein change: p.Leu734=; no amino-acid change (leucine 734 retained).
Molecular consequence: synonymous variant.
Genome position (GRCh38, 1-based): chr10:60,173,171, G>A on the plus strand (C>T on the coding strand, the complement: ANK3 is on the minus strand). VCF-style: chr10-60173171-G-A. GRCh37 (hg19) VCF-style: chr10-61932929-G-A.
Other names: c.2182C>T, p.Leu728= (NM_001204403.2); c.2149C>T, p.Leu717= (NM_001204404.2); c.2200C>T, p.Leu734= (NM_001320874.2).
Identifiers: ClinVar variation 1336200 (VCV001336200.14), dbSNP rs144696256, ClinGen allele CA5512887.